The following is an entry in ClinVar:

ClinVar aggregate classification (germline): Likely benign (0 of 4 stars; one submission).

Conditions:
PRDM13-related disorder. Also called: PRDM13-related condition.

Submission:

PreventionGenetics, part of Exact Sciences
Classification: Likely benign for PRDM13-related condition. Last evaluated: 2020-01-30. Review status: no assertion criteria provided. Collection method: clinical testing. Allele origin: germline.
Comment: This variant is classified as likely benign based on ACMG/AMP sequence variant interpretation guidelines (Richards et al. 2015 PMID: 25741868, with internal and published modifications).

NM_021620.4(PRDM13):c.900A>C (p.Leu300=)

Gene: PRDM13 (PR/SET domain 13; plus strand). Cytogenetic location: 6q16.2.
Variant type: single nucleotide variant.
Coding change: c.900A>C on transcript NM_021620.4 (MANE Select); coding-DNA position 900, A replaced by C.
Protein change: p.Leu300=; no amino-acid change (leucine 300 retained).
Molecular consequence: synonymous variant.
Genome position (GRCh38, 1-based): chr6:99,613,535, A>C. VCF-style: chr6-99613535-A-C. GRCh37 (hg19) VCF-style: chr6-100061411-A-C.
Identifiers: ClinVar variation 3037903 (VCV003037903.2), dbSNP rs2538545471, ClinGen allele CA451574910.